The following is an entry in ClinVar:

NM_024312.5(GNPTAB):c.1229T>A (p.Met410Lys)

Gene: GNPTAB (N-acetylglucosamine-1-phosphate transferase subunits alpha and beta; minus strand). Cytogenetic location: 12q23.2.
Variant type: single nucleotide variant.
Coding change: c.1229T>A on transcript NM_024312.5 (MANE Select); coding-DNA position 1229, T replaced by A.
Protein change: p.Met410Lys; replaces methionine 410 with lysine.
Molecular consequence: missense variant.
Genome position (GRCh38, 1-based): chr12:101,770,076, A>T on the plus strand (T>A on the coding strand, the complement: GNPTAB is on the minus strand). VCF-style: chr12-101770076-A-T. GRCh37 (hg19) VCF-style: chr12-102163854-A-T.
Other names: short protein forms M410K.
Identifiers: ClinVar variation 5018687 (VCV005018687.2).

ClinVar aggregate classification (germline): Uncertain significance (1 of 4 stars; one submission).

Conditions:
Mucolipidosis type II. Also called: ML II ALPHA/BETA; Mucolipidosis 2; ML 2; Inclusion cell disease; Leroy Disease; N-acetylglucosamine 1phosphotransferase deficiency. Identifiers: Orphanet 576, MedGen C2673377, MONDO:0009650, OMIM 252500.
Pseudo-Hurler polydystrophy. Also called: ML III; ML III ALPHA/BETA; ML IIIA; MUCOLIPIDOSIS IIIA; Mucolipidosis III Alpha/Beta; Type III Mucolipidosis. Identifiers: Orphanet 423461, Orphanet 577, MedGen C0033788, MONDO:0018931, OMIM 252600.

Submission:

Juno Genomics, Hangzhou Juno Genomics, Inc
Classification: Uncertain significance for Mucolipidosis type II; Pseudo-Hurler polydystrophy. Review status: criteria provided, single submitter. Criteria: ACMG Guidelines, 2015. Collection method: clinical testing. Allele origin: germline.
Comment: Absent from controls (or at extremely low frequency if recessive) in Genome Aggregation Database.;Multiple lines of computational evidence support a deleterious effect on the gene or gene product.